The following is an entry in ClinVar:

ClinVar aggregate classification (germline): Uncertain significance (1 of 4 stars; one submission).

gnomAD v4.1: 28 of 1,608,032 alleles (0.0017%); highest among the groups gnomAD compares: Non-Finnish European, 0.0021%; no homozygotes.

Submission:

Labcorp Genetics (formerly Invitae), Labcorp
Classification: Uncertain significance. Last evaluated: 2024-03-09. Review status: criteria provided, single submitter. Criteria: Invitae Variant Classification Sherloc (09022015). Collection method: clinical testing. Allele origin: germline.
Comment: This sequence change falls in intron 20 of the PDE6A gene. It does not directly change the encoded amino acid sequence of the PDE6A protein. It affects a nucleotide within the consensus splice site. This variant is present in population databases (no rsID available, gnomAD 0.004%). This variant has not been reported in the literature in individuals affected with PDE6A-related conditions. Variants that disrupt the consensus splice site are a relatively common cause of aberrant splicing (PMID: 17576681, 9536098). Algorithms developed to predict the effect of sequence changes on RNA splicing suggest that this variant may disrupt the consensus splice site. In summary, the available evidence is currently insufficient to determine the role of this variant in disease. Therefore, it has been classified as a Variant of Uncertain Significance.

Literature cited by the submitters: PubMed 17576681; PubMed 9536098.

NM_000440.3(PDE6A):c.2358+3A>G

Gene: PDE6A (phosphodiesterase 6A; minus strand). Cytogenetic location: 5q32.
Variant type: single nucleotide variant.
Coding change: c.2358+3A>G on transcript NM_000440.3 (MANE Select); 3 bases into the intron after coding-DNA position 2358, A replaced by G.
Molecular consequence: intron variant.
Genome position (GRCh38, 1-based): chr5:149,866,167, T>C on the plus strand (A>G on the coding strand, the complement: PDE6A is on the minus strand). VCF-style: chr5-149866167-T-C. GRCh37 (hg19) VCF-style: chr5-149245730-T-C.
Other names: c.2115+3A>G (NM_001410788.1).
Identifiers: ClinVar variation 3678459 (VCV003678459.2).